The following is an entry in ClinVar:

NC_000016.9:g.(?_68710288)_(68729826_?)del

Gene: CDH3 (cadherin 3; plus strand). Cytogenetic location: 16q22.1.
Variant type: Deletion.
Identifiers: ClinVar variation 1075911 (VCV001075911.4).

ClinVar aggregate classification (germline): Pathogenic (1 of 4 stars; one submission).

Submission:

Labcorp Genetics (formerly Invitae), Labcorp
Classification: Pathogenic. Last evaluated: 2017-08-31. Review status: criteria provided, single submitter. Criteria: Invitae Variant Classification Sherloc (09022015). Collection method: clinical testing. Allele origin: germline.
Comment: This variant is an out-of-frame deletion of the genomic region encompassing exons 3-15 of the CDH3 gene. This is expected to create a premature translational stop signal and result in an absent or disrupted protein product. Deletion of exons 3-15 has not been reported in the literature in individuals with CDH3-related disease. Loss-of-function variants in CDH3 are known to be pathogenic (PMID: 14708629, 17342797, 22348569). For these reasons, this variant has been classified as Pathogenic.

Literature cited by the submitters: PubMed 14708629; PubMed 17342797; PubMed 22348569.